The following is an entry in ClinVar:

ClinVar aggregate classification (germline): Uncertain significance. Review status: criteria provided, multiple submitters, no conflicts (2 of 4 stars). 2 submissions from 2 submitters: Uncertain significance (2). Last evaluated 2025-08-09.

Conditions:
Immunodeficiency 51 (IMD51). Also called: CANDIDIASIS, FAMILIAL, 5. Identifiers: Orphanet 1334, MedGen C4310803, MONDO:0013500, OMIM 613953.

gnomAD v4.1: 4 of 1,613,984 alleles (0.00025%); highest among the groups gnomAD compares: Admixed American, 0.005%; no homozygotes.

Submissions (2):

Ambry Genetics
Classification: Uncertain significance. Last evaluated: 2025-08-09. Review status: criteria provided, single submitter. Criteria: Ambry Variant Classification Scheme 2023. Collection method: clinical testing. Allele origin: germline.

Labcorp Genetics (formerly Invitae), Labcorp
Classification: Uncertain significance for Immunodeficiency 51. Last evaluated: 2021-03-19. Review status: criteria provided, single submitter. Criteria: Invitae Variant Classification Sherloc (09022015). Collection method: clinical testing. Allele origin: germline.
Comment: In summary, the available evidence is currently insufficient to determine the role of this variant in disease. Therefore, it has been classified as a Variant of Uncertain Significance. Algorithms developed to predict the effect of missense changes on protein structure and function are either unavailable or do not agree on the potential impact of this missense change (SIFT: "Deleterious"; PolyPhen-2: "Probably Damaging"; Align-GVGD: "Class C0"). This variant has not been reported in the literature in individuals with IL17RA-related conditions. This variant is not present in population databases (ExAC no frequency). This sequence change replaces leucine with valine at codon 402 of the IL17RA protein (p.Leu402Val). The leucine residue is highly conserved and there is a small physicochemical difference between leucine and valine.

NM_014339.7(IL17RA):c.1204C>G (p.Leu402Val)

Gene: IL17RA (interleukin 17 receptor A; plus strand). Cytogenetic location: 22q11.1.
Variant type: single nucleotide variant.
Coding change: c.1204C>G on transcript NM_014339.7 (MANE Select); coding-DNA position 1204, C replaced by G.
Protein change: p.Leu402Val; replaces leucine 402 with valine.
Molecular consequence: missense variant.
Genome position (GRCh38, 1-based): chr22:17,108,423, C>G. VCF-style: chr22-17108423-C-G. GRCh37 (hg19) VCF-style: chr22-17589313-C-G.
Other names: c.1102C>G, p.Leu368Val (NM_001289905.2); c.1204C>G (NM_014339.5); short protein forms L368V, L402V.
Identifiers: ClinVar variation 1484100 (VCV001484100.7), dbSNP rs2061422876, ClinGen allele CA410216183.